The following is an entry in ClinVar:

ClinVar aggregate classification (germline): Uncertain significance. Review status: criteria provided, multiple submitters, no conflicts (2 of 4 stars). 2 submissions from 2 submitters: Uncertain significance (2). Last evaluated 2025-09-03.

Conditions:
Familial sleep-related hypermotor epilepsy. Also called: Autosomal Dominant Sleep-Related Hypermotor (Hyperkinetic) Epilepsy. Identifiers: Orphanet 98784, MedGen C3696898, MONDO:0000030.

Allele frequency attached by ClinVar (database versions not stated): TOPMed below 0.00001; ExAC 0.00002; gnomAD exomes 0.00001.
gnomAD v4.1: 19 of 1,614,204 alleles (0.0012%); highest among the groups gnomAD compares: Non-Finnish European, 0.0015%; no homozygotes.

Submissions (2):

Labcorp Genetics (formerly Invitae), Labcorp
Classification: Uncertain significance. Last evaluated: 2025-09-03. Review status: criteria provided, single submitter. Criteria: Invitae Variant Classification Sherloc (09022015). Collection method: clinical testing. Allele origin: germline.
Comment: This sequence change replaces leucine, which is neutral and non-polar, with valine, which is neutral and non-polar, at codon 341 of the CHRNA2 protein (p.Leu341Val). This variant is present in population databases (rs750301958, gnomAD 0.002%). This variant has not been reported in the literature in individuals affected with CHRNA2-related conditions. ClinVar contains an entry for this variant (Variation ID: 204966). Invitae Evidence Modeling of protein sequence and biophysical properties (such as structural, functional, and spatial information, amino acid conservation, physicochemical variation, residue mobility, and thermodynamic stability) indicates that this missense variant is not expected to disrupt CHRNA2 protein function with a negative predictive value of 80%. In summary, the available evidence is currently insufficient to determine the role of this variant in disease. Therefore, it has been classified as a Variant of Uncertain Significance.

GeneDx
Classification: Uncertain significance. Last evaluated: 2020-03-16. Review status: criteria provided, single submitter. Criteria: GeneDx Variant Classification Process June 2021. Collection method: clinical testing. Allele origin: germline. Affected: yes.
Comment: Not observed at a significant frequency in large population cohorts (Lek et al., 2016); In silico analysis supports that this missense variant has a deleterious effect on protein structure/function; Has not been previously published as pathogenic or benign to our knowledge

NM_000742.4(CHRNA2):c.1021C>G (p.Leu341Val)

Gene: CHRNA2 (cholinergic receptor nicotinic alpha 2 subunit; minus strand). Cytogenetic location: 8p21.2.
Variant type: single nucleotide variant.
Coding change: c.1021C>G on transcript NM_000742.4 (MANE Select); coding-DNA position 1021, C replaced by G.
Protein change: p.Leu341Val; replaces leucine 341 with valine.
Molecular consequence: missense variant.
Genome position (GRCh38, 1-based): chr8:27,463,422, G>C on the plus strand (C>G on the coding strand, the complement: CHRNA2 is on the minus strand). VCF-style: chr8-27463422-G-C. GRCh37 (hg19) VCF-style: chr8-27320939-G-C.
Other names: p.L341V:CTG>GTG; c.976C>G, p.Leu326Val (NM_001282455.2); c.544C>G, p.Leu182Val (NM_001347705.2, NM_001347706.2); c.427C>G, p.Leu143Val (NM_001347707.2, NM_001347708.2); short protein forms L341V, L182V, L326V, L143V.
Identifiers: ClinVar variation 204966 (VCV000204966.7), dbSNP rs750301958, ClinGen allele CA313454.